The following is an entry in ClinVar:

NM_000548.5(TSC2):c.1789dup (p.His597fs)

Gene: TSC2 (TSC complex subunit 2; plus strand). Cytogenetic location: 16p13.3.
Variant type: Duplication.
Coding change: c.1789dup on transcript NM_000548.5 (MANE Select); coding-DNA position 1789, one base duplicated (C; older notation c.1789dupC).
Protein change: p.His597fs; shifts the reading frame from histidine 597.
Molecular consequence: frameshift variant. On other transcripts: non-coding transcript variant (5).
Genome position (GRCh38, 1-based): chr16:2,070,528, C duplicated; the last of 2 consecutive C bases (chr16:2,070,527-2,070,528); duplicating either gives the same sequence. VCF-style (leftmost placement, unchanged base first): chr16-2070526-T-TC. GRCh37 (hg19) VCF-style: chr16-2120527-T-TC.
Other names: c.1789dup, p.His597fs (NM_001077183.3, NM_001114382.3, NM_021055.3 and 6 more transcripts); c.1678dup, p.His560fs (NM_001318827.2, NM_001406678.1, NM_001406670.1); c.1642dup, p.His548fs (NM_001318829.2, NM_001406675.1, NM_001406676.1 and 1 more transcripts); c.1189dup, p.His397fs (NM_001318831.2, NM_001406680.1, NM_001406682.1 and 6 more transcripts); c.1822dup, p.His608fs (NM_001318832.2); c.1777dup, p.His593fs (NM_001406673.1, NM_001406671.1); c.1732dup, p.His578fs (NM_001406677.1); c.1327dup, p.His443fs (NM_001406681.1); and 3 more; short protein forms H397fs, H149fs, H443fs, H548fs, H608fs, H627fs, H560fs, H597fs.
Identifiers: ClinVar variation 2701993 (VCV002701993.3), dbSNP rs35383271, ClinGen allele CA276735731.

ClinVar aggregate classification (germline): Pathogenic (1 of 4 stars; one submission).

Conditions:
Tuberous sclerosis 2 (TSC2). Identifiers: Orphanet 805, MedGen C1860707, MONDO:0013199, OMIM 613254.

Submission:

Labcorp Genetics (formerly Invitae), Labcorp
Classification: Pathogenic for Tuberous sclerosis 2. Last evaluated: 2023-12-10. Review status: criteria provided, single submitter. Criteria: Invitae Variant Classification Sherloc (09022015). Collection method: clinical testing. Allele origin: germline.
Comment: This sequence change creates a premature translational stop signal (p.His597Profs*20) in the TSC2 gene. It is expected to result in an absent or disrupted protein product. Loss-of-function variants in TSC2 are known to be pathogenic (PMID: 10205261, 17304050). This variant is not present in population databases (gnomAD no frequency). This variant has not been reported in the literature in individuals affected with TSC2-related conditions. For these reasons, this variant has been classified as Pathogenic.

Literature cited by the submitters: PubMed 10205261; PubMed 17304050.